The following is an entry in ClinVar:

NM_018451.5(CPAP):c.2080G>A (p.Asp694Asn)

Gene: CPAP (centrosome assembly and centriole elongation protein; minus strand). Cytogenetic location: 13q12.13.
Variant type: single nucleotide variant.
Coding change: c.2080G>A on transcript NM_018451.5 (MANE Select); coding-DNA position 2080, G replaced by A.
Protein change: p.Asp694Asn; replaces aspartic acid 694 with asparagine.
Molecular consequence: missense variant. On other transcripts: non-coding transcript variant (2).
Genome position (GRCh38, 1-based): chr13:24,905,958, C>T on the plus strand (G>A on the coding strand, the complement: CPAP is on the minus strand). VCF-style: chr13-24905958-C-T. GRCh37 (hg19) VCF-style: chr13-25480096-C-T.
Other names: short protein forms D694N.
Identifiers: ClinVar variation 4804237 (VCV004804237.1).

ClinVar aggregate classification (germline): Uncertain significance (1 of 4 stars; one submission).

gnomAD v4.1: 3 of 1,614,180 alleles (0.00019%); highest among the groups gnomAD compares: Non-Finnish European, 0.00025%; no homozygotes.

Submission:

Labcorp Genetics (formerly Invitae), Labcorp
Classification: Uncertain significance. Last evaluated: 2026-01-18. Review status: criteria provided, single submitter. Criteria: Invitae Variant Classification Sherloc (09022015). Collection method: clinical testing. Allele origin: germline.
Comment: This sequence change replaces aspartic acid, which is acidic and polar, with asparagine, which is neutral and polar, at codon 694 of the CENPJ protein (p.Asp694Asn). This variant is not present in population databases (gnomAD no frequency). This variant has not been reported in the literature in individuals affected with CENPJ-related conditions. Invitae Evidence Modeling of protein sequence and biophysical properties (such as structural, functional, and spatial information, amino acid conservation, physicochemical variation, residue mobility, and thermodynamic stability) has been performed for this missense variant. However, the output from this modeling did not meet the statistical confidence thresholds required to predict the impact of this variant on CENPJ protein function. In summary, the available evidence is currently insufficient to determine the role of this variant in disease. Therefore, it has been classified as a Variant of Uncertain Significance.